The following is an entry in ClinVar:

ClinVar aggregate classification (germline): Pathogenic (1 of 4 stars; one submission).

Submission:

GeneDx
Classification: Pathogenic. Last evaluated: 2018-02-08. Review status: criteria provided, single submitter. Criteria: GeneDx Variant Classification (06012015). Collection method: clinical testing. Allele origin: germline. Affected: yes.
Comment: The Q266X variant in the NFIX gene has not been reported previously as a pathogenic variant nor as a benign variant, to our knowledge. This variant is predicted to cause loss of normal protein function either through protein truncation or nonsense-mediated mRNA decay. The Q266X variant is not observed in large population cohorts (Lek et al., 2016). We interpret Q266X as a pathogenic variant.

NM_001365902.3(NFIX):c.772C>T (p.Gln258Ter)

Gene: NFIX (nuclear factor I X; plus strand). Cytogenetic location: 19p13.13.
Variant type: single nucleotide variant.
Coding change: c.772C>T on transcript NM_001365902.3 (MANE Select); coding-DNA position 772, C replaced by T.
Protein change: p.Gln258Ter; replaces glutamine 258 with a stop codon.
Molecular consequence: nonsense.
Genome position (GRCh38, 1-based): chr19:13,073,980, C>T. VCF-style: chr19-13073980-C-T. GRCh37 (hg19) VCF-style: chr19-13184794-C-T.
Other names: c.796C>T, p.Gln266Ter (NM_001271043.2); c.748C>T, p.Gln250Ter (NM_001271044.3, NM_001378404.1); c.772C>T, p.Gln258Ter (NM_001365982.2, NM_002501.4); c.631C>T, p.Gln211Ter (NM_001365983.2); c.769C>T, p.Gln257Ter (NM_001365984.2, NM_001365985.2); c.820C>T, p.Gln274Ter (NM_001378405.1); short protein forms Q258*, Q266*, Q211*, Q250*, Q257*, Q274*.
Identifiers: ClinVar variation 504244 (VCV000504244.2), dbSNP rs1555705276, ClinGen allele CA404295731.
Genomic context (GRCh38, chr19:13,073,980, plus strand): 5'-GCATCAGGGCCCAACTTCTCCCTGGCGGACCTGGAGAGTCCCAGCTACTACAACATCAAC[C>T]AGGTGACCCTGGGGCGGCGGTCCATCACCTCCCCTCCTTCCACCAGGTAAGCCCAGTGGC-3'